The following is an entry in ClinVar:

NM_205768.3(ZBTB18):c.1060G>A (p.Val354Ile)

Gene: ZBTB18 (zinc finger and BTB domain containing 18; plus strand). Cytogenetic location: 1q44.
Variant type: single nucleotide variant.
Coding change: c.1060G>A on transcript NM_205768.3 (MANE Select); coding-DNA position 1060, G replaced by A.
Protein change: p.Val354Ile; replaces valine 354 with isoleucine.
Molecular consequence: missense variant.
Genome position (GRCh38, 1-based): chr1:244,054,834, G>A. VCF-style: chr1-244054834-G-A. GRCh37 (hg19) VCF-style: chr1-244218136-G-A.
Other names: c.1033G>A, p.Val345Ile (NM_001278196.2, NM_006352.5); c.1060G>A (NM_205768.2); short protein forms V345I, V354I.
Identifiers: ClinVar variation 1719490 (VCV001719490.7), dbSNP rs1558149600, ClinGen allele CA345674286.

ClinVar aggregate classification (germline): Uncertain significance. Review status: criteria provided, multiple submitters, no conflicts (2 of 4 stars). 2 submissions from 2 submitters: Uncertain significance (2). Last evaluated 2025-04-01.

Conditions:
Inborn genetic diseases. Identifiers: MedGen C0950123, MeSH D030342.

Allele frequency attached by ClinVar (database versions not stated): gnomAD exomes below 0.00001.

Submissions (2):

Ambry Genetics
Classification: Uncertain significance for Inborn genetic diseases. Last evaluated: 2025-04-01. Review status: criteria provided, single submitter. Criteria: Ambry Variant Classification Scheme 2023. Collection method: clinical testing. Allele origin: germline.

Labcorp Genetics (formerly Invitae), Labcorp
Classification: Uncertain significance. Last evaluated: 2023-12-11. Review status: criteria provided, single submitter. Criteria: Invitae Variant Classification Sherloc (09022015). Collection method: clinical testing. Allele origin: germline.
Comment: This sequence change replaces valine, which is neutral and non-polar, with isoleucine, which is neutral and non-polar, at codon 354 of the ZBTB18 protein (p.Val354Ile). This variant is not present in population databases (gnomAD no frequency). This variant has not been reported in the literature in individuals affected with ZBTB18-related conditions. ClinVar contains an entry for this variant (Variation ID: 1719490). Advanced modeling of protein sequence and biophysical properties (such as structural, functional, and spatial information, amino acid conservation, physicochemical variation, residue mobility, and thermodynamic stability) performed at Invitae indicates that this missense variant is not expected to disrupt ZBTB18 protein function with a negative predictive value of 95%. In summary, the available evidence is currently insufficient to determine the role of this variant in disease. Therefore, it has been classified as a Variant of Uncertain Significance.